The following is an entry in ClinVar:

ClinVar aggregate classification (germline): Uncertain significance (1 of 4 stars; one submission).

Conditions:
Diffuse cerebral and cerebellar atrophy - intractable seizures - progressive microcephaly syndrome. Also called: Microcephaly, progressive, with seizures and cerebral and cerebellar atrophy. Identifiers: Orphanet 404437, MedGen C4014239, MONDO:0014335, OMIM 615760.

Submission:

Labcorp Genetics (formerly Invitae), Labcorp
Classification: Uncertain significance for Diffuse cerebral and cerebellar atrophy - intractable seizures - progressive microcephaly syndrome. Last evaluated: 2022-02-03. Review status: criteria provided, single submitter. Criteria: Invitae Variant Classification Sherloc (09022015). Collection method: clinical testing. Allele origin: germline.
Comment: This sequence change replaces serine, which is neutral and polar, with arginine, which is basic and polar, at codon 755 of the QARS protein (p.Ser755Arg). In summary, the available evidence is currently insufficient to determine the role of this variant in disease. Therefore, it has been classified as a Variant of Uncertain Significance. Algorithms developed to predict the effect of missense changes on protein structure and function are either unavailable or do not agree on the potential impact of this missense change (SIFT: "Deleterious"; PolyPhen-2: "Possibly Damaging"; Align-GVGD: "Class C15"). This variant has not been reported in the literature in individuals affected with QARS-related conditions. This variant is not present in population databases (gnomAD no frequency).

NM_005051.3(QARS1):c.2265C>G (p.Ser755Arg)

Gene: QARS1 (glutaminyl-tRNA synthetase 1; minus strand). Cytogenetic location: 3p21.31.
Variant type: single nucleotide variant.
Coding change: c.2265C>G on transcript NM_005051.3 (MANE Select); coding-DNA position 2265, C replaced by G.
Protein change: p.Ser755Arg; replaces serine 755 with arginine.
Molecular consequence: missense variant. On other transcripts: non-coding transcript variant (1).
Genome position (GRCh38, 1-based): chr3:49,098,004, G>C on the plus strand (C>G on the coding strand, the complement: QARS1 is on the minus strand). VCF-style: chr3-49098004-G-C. GRCh37 (hg19) VCF-style: chr3-49135437-G-C.
Other names: c.2232C>G, p.Ser744Arg (NM_001272073.2); short protein forms S755R, S744R.
Identifiers: ClinVar variation 1519169 (VCV001519169.8), dbSNP rs2042413109, ClinGen allele CA352696524.